The following is an entry in ClinVar:

NM_001270508.2(TNFAIP3):c.360G>C (p.Leu120Phe)

Gene: TNFAIP3 (TNF alpha induced protein 3; plus strand). Cytogenetic location: 6q23.3.
Variant type: single nucleotide variant.
Coding change: c.360G>C on transcript NM_001270508.2 (MANE Select); coding-DNA position 360, G replaced by C.
Protein change: p.Leu120Phe; replaces leucine 120 with phenylalanine.
Molecular consequence: missense variant.
Genome position (GRCh38, 1-based): chr6:137,874,909, G>C. VCF-style: chr6-137874909-G-C. GRCh37 (hg19) VCF-style: chr6-138196046-G-C.
Other names: c.360G>C, p.Leu120Phe (NM_001270507.2, NM_006290.4); short protein forms L120F.
Identifiers: ClinVar variation 4737283 (VCV004737283.1).
Genomic context (GRCh38, chr6:137,874,909, plus strand): 5'-CGGCAATTGCCTCATGCATGCCACTTCTCAGTACATGTGGGGCGTTCAGGACACAGACTT[G>C]GTACTGAGGAAGGCGCTGTTCAGCACGCTCAAGGAAACAGACACACGCAACTTTAAATTC-3'
Protein context (NP_001257437.1, residues 110-130): QYMWGVQDTD[Leu120Phe]VLRKALFSTL

ClinVar aggregate classification (germline): Uncertain significance (1 of 4 stars; one submission).

gnomAD v4.1: 3 of 1,614,212 alleles (0.00019%); highest among the groups gnomAD compares: Non-Finnish European, 0.00025%; no homozygotes.

Submission:

Labcorp Genetics (formerly Invitae), Labcorp
Classification: Uncertain significance. Last evaluated: 2026-01-20. Review status: criteria provided, single submitter. Criteria: Invitae Variant Classification Sherloc (09022015). Collection method: clinical testing. Allele origin: germline.
Comment: This sequence change replaces leucine, which is neutral and non-polar, with phenylalanine, which is neutral and non-polar, at codon 120 of the TNFAIP3 protein (p.Leu120Phe). This variant is not present in population databases (gnomAD no frequency). This variant has not been reported in the literature in individuals affected with TNFAIP3-related conditions. Invitae Evidence Modeling of protein sequence and biophysical properties (such as structural, functional, and spatial information, amino acid conservation, physicochemical variation, residue mobility, and thermodynamic stability) indicates that this missense variant is expected to disrupt TNFAIP3 protein function with a positive predictive value of 80%. In summary, the available evidence is currently insufficient to determine the role of this variant in disease. Therefore, it has been classified as a Variant of Uncertain Significance.